The following is an entry in ClinVar:

NM_022725.4(FANCF):c.385C>A (p.Leu129Ile)

Gene: FANCF (FA complementation group F; minus strand). Cytogenetic location: 11p14.3.
Variant type: single nucleotide variant.
Coding change: c.385C>A on transcript NM_022725.4 (MANE Select); coding-DNA position 385, C replaced by A.
Protein change: p.Leu129Ile; replaces leucine 129 with isoleucine.
Molecular consequence: missense variant.
Genome position (GRCh38, 1-based): chr11:22,625,426, G>T on the plus strand (C>A on the coding strand, the complement: FANCF is on the minus strand). VCF-style: chr11-22625426-G-T. GRCh37 (hg19) VCF-style: chr11-22646972-G-T.
Other names: short protein forms L129I.
Identifiers: ClinVar variation 2739326 (VCV002739326.3), dbSNP rs61753271, ClinGen allele CA380059152.

ClinVar aggregate classification (germline): Uncertain significance (1 of 4 stars; one submission).

Conditions:
Fanconi anemia (FA). Also called: Fanconi's anemia. Identifiers: Orphanet 84, MedGen C0015625, MeSH D005199, MONDO:0019391.

Submission:

Labcorp Genetics (formerly Invitae), Labcorp
Classification: Uncertain significance for Fanconi anemia. Last evaluated: 2023-12-18. Review status: criteria provided, single submitter. Criteria: Invitae Variant Classification Sherloc (09022015). Collection method: clinical testing. Allele origin: germline.
Comment: This sequence change replaces leucine, which is neutral and non-polar, with isoleucine, which is neutral and non-polar, at codon 129 of the FANCF protein (p.Leu129Ile). This variant is not present in population databases (gnomAD no frequency). This variant has not been reported in the literature in individuals affected with FANCF-related conditions. Advanced modeling of protein sequence and biophysical properties (such as structural, functional, and spatial information, amino acid conservation, physicochemical variation, residue mobility, and thermodynamic stability) performed at Invitae indicates that this missense variant is expected to disrupt FANCF protein function with a positive predictive value of 80%. In summary, the available evidence is currently insufficient to determine the role of this variant in disease. Therefore, it has been classified as a Variant of Uncertain Significance.